The following is an entry in ClinVar:

ClinVar aggregate classification (germline): Uncertain significance (1 of 4 stars; one submission).

Submission:

Labcorp Genetics (formerly Invitae), Labcorp
Classification: Uncertain significance. Last evaluated: 2025-11-17. Review status: criteria provided, single submitter. Criteria: Invitae Variant Classification Sherloc (09022015). Collection method: clinical testing. Allele origin: germline.
Comment: This sequence change replaces lysine, which is basic and polar, with glutamic acid, which is acidic and polar, at codon 617 of the MSH3 protein (p.Lys617Glu). This variant is not present in population databases (gnomAD no frequency). This variant has not been reported in the literature in individuals affected with MSH3-related conditions. An algorithm developed to predict the effect of missense changes on protein structure and function (PolyPhen-2) suggests that this variant is likely to be disruptive. In summary, the available evidence is currently insufficient to determine the role of this variant in disease. Therefore, it has been classified as a Variant of Uncertain Significance.

NM_002439.5(MSH3):c.1849A>G (p.Lys617Glu)

Gene: MSH3 (mutS homolog 3; plus strand). Cytogenetic location: 5q14.1.
Variant type: single nucleotide variant.
Coding change: c.1849A>G on transcript NM_002439.5 (MANE Select); coding-DNA position 1849, A replaced by G.
Protein change: p.Lys617Glu; replaces lysine 617 with glutamic acid.
Molecular consequence: missense variant.
Genome position (GRCh38, 1-based): chr5:80,761,631, A>G. VCF-style: chr5-80761631-A-G. GRCh37 (hg19) VCF-style: chr5-80057450-A-G.
Other names: short protein forms K617E.
Identifiers: ClinVar variation 4808865 (VCV004808865.1).
Genomic context (GRCh38, chr5:80,761,631, plus strand): 5'-GTATCGGAAGTTCTCCATTCAGAATCTAGTGTGTTTGGTCAGATAGAAAATCATCTACGT[A>G]AATTGCCCGACATAGAGAGGGGACTCTGTAGCATTTATCACAAAAAAGTAAGTGTGATAG-3'
Protein context (NP_002430.3, residues 607-627): VFGQIENHLR[Lys617Glu]LPDIERGLCS